The following is an entry in ClinVar:

ClinVar aggregate classification (germline): Uncertain significance (1 of 4 stars; one submission).

Submission:

CeGaT Center for Human Genetics Tuebingen
Classification: Uncertain significance. Last evaluated: 2024-11-01. Review status: criteria provided, single submitter. Criteria: CeGaT Center For Human Genetics Tuebingen Variant Classification Criteria Version 2. Collection method: clinical testing. Allele origin: germline. Affected: yes. Observed: 1 variant allele.
Comment: PPP1R12B: PM2, PP3

NM_002481.4(PPP1R12B):c.32G>C (p.Arg11Pro)

Gene: PPP1R12B (protein phosphatase 1 regulatory subunit 12B; plus strand). Cytogenetic location: 1q32.1.
Variant type: single nucleotide variant.
Coding change: c.32G>C on transcript NM_002481.4 (MANE Select); coding-DNA position 32, G replaced by C.
Protein change: p.Arg11Pro; replaces arginine 11 with proline.
Molecular consequence: missense variant.
Genome position (GRCh38, 1-based): chr1:202,348,883, G>C. VCF-style: chr1-202348883-G-C. GRCh37 (hg19) VCF-style: chr1-202318011-G-C.
Other names: c.32G>C, p.Arg11Pro (NM_001167857.2, NM_001167858.2, NM_001331029.2 and 1 more transcripts); short protein forms R11P.
Identifiers: ClinVar variation 3390110 (VCV003390110.14).